The following is an entry in ClinVar:

NM_014055.4(IFT81):c.2015_2019del (p.Asp672fs)

Gene: IFT81 (intraflagellar transport 81; plus strand). Cytogenetic location: 12q24.11.
Variant type: Deletion.
Coding change: c.2015_2019del on transcript NM_014055.4 (MANE Select); coding-DNA positions 2015 to 2019, 5 bases deleted (ACCGG; older notation c.2015_2019delACCGG).
Protein change: p.Asp672fs; shifts the reading frame from aspartic acid 672.
Molecular consequence: frameshift variant. On other transcripts: non-coding transcript variant (4).
Genome position (GRCh38, 1-based): chr12:110,218,210-110,218,214, ACCGG deleted; deleting any 5 consecutive bases within chr12:110,218,208-110,218,214 gives the same sequence; the c. name uses the placement nearest the transcript's 3' end. VCF-style (leftmost placement, unchanged base first): chr12-110218207-AGGACC-A. GRCh37 (hg19) VCF-style: chr12-110656012-AGGACC-A.
Other names: c.2015_2019del5 (NM_014055.3); c.2015_2019del, p.Asp672fs (NM_001143779.2); c.1085_1089del, p.Asp362fs (NM_001347947.2, NM_001347948.2); short protein forms D362fs, D672fs.
Identifiers: ClinVar variation 218893 (VCV000218893.14), dbSNP rs864309658, ClinGen allele CA278765.

ClinVar aggregate classification (germline): Uncertain significance. Review status: criteria provided, multiple submitters, no conflicts (2 of 4 stars). 6 submissions from 6 submitters: Uncertain significance (5). 1 of the submissions does not count toward it. Last evaluated 2025-12-31.

Conditions:
Short-rib thoracic dysplasia 19 with or without polydactyly. Identifiers: MedGen C4693524, MONDO:0033485, OMIM 617895.
IFT81-related disorder. Also called: IFT81-related condition.
Ciliopathy. Also called: Ciliopathies. Identifiers: Orphanet 363250, MedGen C4277690, MONDO:0005308, MeSH D000072661.

Submissions (6):

PreventionGenetics, part of Exact Sciences
Classification: Uncertain significance for IFT81-related condition. Last evaluated: 2025-12-31. Review status: criteria provided, single submitter. Criteria: ACMG Guidelines, 2015. Collection method: clinical testing. Allele origin: germline.
Comment: The IFT81 c.2015_2019del5 variant is predicted to result in a frameshift and premature protein termination (p.Asp672Alafs*15). This variant is reported in 0.047% of alleles in individuals of East Asian descent in gnomAD. However, in gnomAD v4 (available only on GRCh38), this variant is reported in one homozygote in an European (non-Finnish) population, which suggests that this variant may not be a primary cause of disease. This variant is classified as uncertain in ClinVar (Variation ID: 218893). In addition, this variant is located in the last exon of the IFT81 gene and is not predicted to trigger nonsense-mediated RNA decay. Although we suspect that this variant may be benign, at this time, the clinical significance of this variant is uncertain due to the absence of conclusive functional and genetic evidence.

Labcorp Genetics (formerly Invitae), Labcorp
Classification: Uncertain significance. Last evaluated: 2025-03-17. Review status: criteria provided, single submitter. Criteria: Invitae Variant Classification Sherloc (09022015). Collection method: clinical testing. Allele origin: germline.
Comment: This sequence change results in a frameshift in the IFT81 gene (p.Asp672Alafs*15). While this is not anticipated to result in nonsense mediated decay, it is expected to disrupt the last 5 amino acid(s) of the IFT81 protein and extend the protein by 9 additional amino acid residues. This variant is present in population databases (rs763354429, gnomAD 0.04%). This frameshift has been observed in individual(s) with retinal disease and intellectual disability (PMID: 26275418). ClinVar contains an entry for this variant (Variation ID: 218893). Algorithms developed to predict the effect of variants on gene product structure and function are not available or were not evaluated for this variant. Experimental studies are conflicting or provide insufficient evidence to determine the effect of this variant on IFT81 function (PMID: 26275418). In summary, the available evidence is currently insufficient to determine the role of this variant in disease. Therefore, it has been classified as a Variant of Uncertain Significance.

Blueprint Genetics
Classification: Uncertain significance. Last evaluated: 2024-01-24. Review status: criteria provided, single submitter. Criteria: ACMG Guidelines, 2015. Collection method: clinical testing. Allele origin: germline.

3billion
Classification: Uncertain significance for Short-rib thoracic dysplasia 19 with or without polydactyly. Last evaluated: 2023-09-13. Review status: criteria provided, single submitter. Criteria: ACMG Guidelines, 2015. Collection method: clinical testing. Allele origin: germline. Affected: yes.
Comment: The variant is observed at an extremely low frequency in the gnomAD v2.1.1 dataset (total allele frequency: 0.007%). Predicted Consequence/Location: Frameshift: predicted to result in a loss or disruption of normal protein function through protein truncation. The predicted truncated protein may be shortened by less than 10%. The variant has been reported to be associated with IFT81 related disorder (PMID: 26275418). However, the evidence of pathogenicity is insufficient at this time. Therefore, this variant is classified as VUS according to the recommendation of ACMG/AMP guideline.

Breakthrough Genomics
Classification: Uncertain significance. Review status: criteria provided, single submitter. Criteria: ACMG Guidelines, 2015. Collection method: not provided. Allele origin: germline. Inheritance: Autosomal recessive inheritance. Affected: yes.

OMIM
Classification: Uncertain significance for VARIANT OF UNKNOWN SIGNIFICANCE. Last evaluated: 2015-10-01. Review status: no assertion criteria provided. Collection method: literature only. Allele origin: germline. Not counted in ClinVar's aggregate classification.

Literature cited by the submitters: PubMed 26275418 (cited by 3 submitters).